The following is an entry in ClinVar:

ClinVar aggregate classification (germline): Uncertain significance (1 of 4 stars; one submission).

Submission:

Labcorp Genetics (formerly Invitae), Labcorp
Classification: Uncertain significance. Last evaluated: 2021-08-26. Review status: criteria provided, single submitter. Criteria: Invitae Variant Classification Sherloc (09022015). Collection method: clinical testing. Allele origin: germline.
Comment: This sequence change replaces valine with phenylalanine at codon 4212 of the USH2A protein (p.Val4212Phe). The valine residue is highly conserved and there is a small physicochemical difference between valine and phenylalanine. This variant is not present in population databases (ExAC no frequency). This variant has not been reported in the literature in individuals affected with USH2A-related conditions. Algorithms developed to predict the effect of missense changes on protein structure and function (SIFT, PolyPhen-2, Align-GVGD) all suggest that this variant is likely to be disruptive. In summary, the available evidence is currently insufficient to determine the role of this variant in disease. Therefore, it has been classified as a Variant of Uncertain Significance.

NM_206933.4(USH2A):c.12634G>T (p.Val4212Phe)

Gene: USH2A (usherin; minus strand). Cytogenetic location: 1q41.
Variant type: single nucleotide variant.
Coding change: c.12634G>T on transcript NM_206933.4 (MANE Select); coding-DNA position 12634, G replaced by T.
Protein change: p.Val4212Phe; replaces valine 4212 with phenylalanine.
Molecular consequence: missense variant.
Genome position (GRCh38, 1-based): chr1:215,675,277, C>A on the plus strand (G>T on the coding strand, the complement: USH2A is on the minus strand). VCF-style: chr1-215675277-C-A. GRCh37 (hg19) VCF-style: chr1-215848619-C-A.
Other names: short protein forms V4212F.
Identifiers: ClinVar variation 1492818 (VCV001492818.3), dbSNP rs2102666612, ClinGen allele CA344850296.
Genomic context (GRCh38, chr1:215,675,277, plus strand): 5'-GTTGCAAACCTGTGTCATTATACATAAATGTATTCCTTTCAGTGTTATATTCTGTGAAAA[C>A]AATTTTCTCGTCGGCCTGGATTGTCTGATTTCCCCAAGCTTTTCCCTCGAAGCATCTGCG-3'
Protein context (NP_996816.3, residues 4202-4222): NQTIQADEKI[Val4212Phe]FTEYNTERNT